The following is an entry in ClinVar:

NM_005535.3(IL12RB1):c.1217G>A (p.Gly406Glu)

Gene: IL12RB1 (interleukin 12 receptor subunit beta 1; minus strand). Cytogenetic location: 19p13.11.
Variant type: single nucleotide variant.
Coding change: c.1217G>A on transcript NM_005535.3 (MANE Select); coding-DNA position 1217, G replaced by A.
Protein change: p.Gly406Glu; replaces glycine 406 with glutamic acid.
Molecular consequence: missense variant.
Genome position (GRCh38, 1-based): chr19:18,068,499, C>T on the plus strand (G>A on the coding strand, the complement: IL12RB1 is on the minus strand). VCF-style: chr19-18068499-C-T. GRCh37 (hg19) VCF-style: chr19-18179309-C-T.
Other names: c.1217G>A, p.Gly406Glu (NM_001290023.2); c.1337G>A, p.Gly446Glu (NM_001290024.2); short protein forms G406E, G446E.
Identifiers: ClinVar variation 1441039 (VCV001441039.7), dbSNP rs199504990, ClinGen allele CA9304915.
Genomic context (GRCh38, chr19:18,068,499, plus strand): 5'-TTCTCGGGGTGCGCAGAGGCAAAGATGGTAATGTAGTAACACTTTTCCTGCCCCATTGCC[C>T]CAGACTCTCGACTCCAGCTGTAGGTTGCTGGAAGGATAAGCAAAGGCCAGGCCATTCAGT-3'
Protein context (NP_005526.1, residues 396-416): MATYSWSRES[Gly406Glu]AMGQEKCYYI

ClinVar aggregate classification (germline): Uncertain significance. Review status: criteria provided, multiple submitters, no conflicts (2 of 4 stars). 2 submissions from 2 submitters: Uncertain significance (2). Last evaluated 2024-01-09.

Conditions:
Mendelian susceptibility to mycobacterial diseases due to complete IL12RB1 deficiency. Also called: IL12RB1 DEFICIENCY; Immunodeficiency 30. Identifiers: Orphanet 319552, MedGen C4013949, MONDO:0013955, OMIM 614891.

Allele frequency attached by ClinVar (database versions not stated): ESP Exome Variant Server 0.00032; 1000 Genomes Project 0.00040; 1000 Genomes Project 30x 0.00062.

Submissions (2):

Women's Health and Genetics/Laboratory Corporation of America, LabCorp
Classification: Uncertain significance. Last evaluated: 2024-01-09. Review status: criteria provided, single submitter. Criteria: LabCorp Variant Classification Summary - May 2015. Collection method: clinical testing. Allele origin: germline.
Comment: Variant summary: IL12RB1 c.1217G>A (p.Gly406Glu) results in a non-conservative amino acid change in the encoded protein sequence. Three of five in-silico tools predict a damaging effect of the variant on protein function. The variant allele was found at a frequency of 6.8e-05 in 249290 control chromosomes. To our knowledge, no occurrence of c.1217G>A in individuals affected with Mendelian Susceptibility To Mycobacterial Diseases Due To Complete IL12RB1 Deficiency and no experimental evidence demonstrating its impact on protein function have been reported. ClinVar contains an entry for this variant (Variation ID: 1441039). Based on the evidence outlined above, the variant was classified as uncertain significance.

Labcorp Genetics (formerly Invitae), Labcorp
Classification: Uncertain significance for Mendelian susceptibility to mycobacterial diseases due to complete IL12RB1 deficiency. Last evaluated: 2022-11-08. Review status: criteria provided, single submitter. Criteria: Invitae Variant Classification Sherloc (09022015). Collection method: clinical testing. Allele origin: germline.
Comment: In summary, the available evidence is currently insufficient to determine the role of this variant in disease. Therefore, it has been classified as a Variant of Uncertain Significance. Advanced modeling of protein sequence and biophysical properties (such as structural, functional, and spatial information, amino acid conservation, physicochemical variation, residue mobility, and thermodynamic stability) performed at Invitae indicates that this missense variant is not expected to disrupt IL12RB1 protein function. ClinVar contains an entry for this variant (Variation ID: 1441039). This variant has not been reported in the literature in individuals affected with IL12RB1-related conditions. This variant is present in population databases (rs199504990, gnomAD 0.1%). This sequence change replaces glycine, which is neutral and non-polar, with glutamic acid, which is acidic and polar, at codon 406 of the IL12RB1 protein (p.Gly406Glu).